The following is an entry in ClinVar:

NM_001165963.4(SCN1A):c.574T>C (p.Trp192Arg)

Gene: SCN1A (sodium voltage-gated channel alpha subunit 1; minus strand). Cytogenetic location: 2q24.3.
Variant type: single nucleotide variant.
Coding change: c.574T>C on transcript NM_001165963.4 (MANE Select); coding-DNA position 574, T replaced by C.
Protein change: p.Trp192Arg; replaces tryptophan 192 with arginine.
Molecular consequence: missense variant. On other transcripts: 5 prime UTR variant (1), non-coding transcript variant (1).
Genome position (GRCh38, 1-based): chr2:166,054,666, A>G on the plus strand (T>C on the coding strand, the complement: SCN1A is on the minus strand). VCF-style: chr2-166054666-A-G. GRCh37 (hg19) VCF-style: chr2-166911176-A-G.
Other names: c.574T>C, p.Trp192Arg (NM_001165964.3, NM_001202435.3, NM_001353948.2 and 10 more transcripts); c.-1852T>C (NM_001353961.2); c.574T>C (NM_001165963.1); short protein forms W192R.
Identifiers: ClinVar variation 2789511 (VCV002789511.4), dbSNP rs1698944269, ClinGen allele CA349075357.

ClinVar aggregate classification (germline): Uncertain significance. Review status: criteria provided, multiple submitters, no conflicts (2 of 4 stars). 2 submissions from 2 submitters: Uncertain significance (2). Last evaluated 2025-04-26.

Conditions:
Early-infantile DEE. Also called: Early infantile epileptic encephalopathy; Early infantile epileptic encephalopathy with suppression bursts; Ohtahara syndrome. Identifiers: Orphanet 1934, MedGen C0393706, MONDO:0800491.
Inborn genetic diseases. Identifiers: MedGen C0950123, MeSH D030342.

Allele frequency attached by ClinVar (database versions not stated): gnomAD exomes below 0.00001.
gnomAD v4.1: 1 of 1,612,362 alleles (0.000062%); highest among the groups gnomAD compares: Non-Finnish European, 0.000085%; no homozygotes.

Submissions (2):

Labcorp Genetics (formerly Invitae), Labcorp
Classification: Uncertain significance for Early-infantile DEE. Last evaluated: 2025-04-26. Review status: criteria provided, single submitter. Criteria: Invitae Variant Classification Sherloc (09022015). Collection method: clinical testing. Allele origin: germline.
Comment: This sequence change replaces tryptophan, which is neutral and slightly polar, with arginine, which is basic and polar, at codon 192 of the SCN1A protein (p.Trp192Arg). This variant is not present in population databases (gnomAD no frequency). This variant has not been reported in the literature in individuals affected with SCN1A-related conditions. ClinVar contains an entry for this variant (Variation ID: 2789511). Invitae Evidence Modeling of protein sequence and biophysical properties (such as structural, functional, and spatial information, amino acid conservation, physicochemical variation, residue mobility, and thermodynamic stability) indicates that this missense variant is expected to disrupt SCN1A protein function with a positive predictive value of 95%. In summary, the available evidence is currently insufficient to determine the role of this variant in disease. Therefore, it has been classified as a Variant of Uncertain Significance.

Ambry Genetics
Classification: Uncertain significance for Inborn genetic diseases. Last evaluated: 2024-03-01. Review status: criteria provided, single submitter. Criteria: Ambry Variant Classification Scheme 2023. Collection method: clinical testing. Allele origin: germline.